The following is an entry in ClinVar:

NM_000535.7(PMS2):c.1610A>G (p.Glu537Gly)

Gene: PMS2 (PMS1 homolog 2, mismatch repair system component; minus strand). Cytogenetic location: 7p22.1.
Variant type: single nucleotide variant.
Coding change: c.1610A>G on transcript NM_000535.7 (MANE Select); coding-DNA position 1610, A replaced by G.
Protein change: p.Glu537Gly; replaces glutamic acid 537 with glycine.
Molecular consequence: missense variant. On other transcripts: non-coding transcript variant (1), intron variant (1).
Genome position (GRCh38, 1-based): chr7:5,987,155, T>C on the plus strand (A>G on the coding strand, the complement: PMS2 is on the minus strand). VCF-style: chr7-5987155-T-C. GRCh37 (hg19) VCF-style: chr7-6026786-T-C.
Other names: c.1205A>G, p.Glu402Gly (NM_001406891.1, NM_001406892.1, NM_001406893.1 and 17 more transcripts); c.1610A>G, p.Glu537Gly (NM_001406872.1, NM_001322014.2, NM_001406871.1); c.1412A>G, p.Glu471Gly (NM_001406873.1); c.1442A>G, p.Glu481Gly (NM_001406874.1); c.1301A>G, p.Glu434Gly (NM_001406875.1, NM_001406877.1, NM_001406878.1 and 5 more transcripts); c.1292A>G, p.Glu431Gly (NM_001406876.1, NM_001322007.2, NM_001322008.2 and 2 more transcripts); c.839A>G, p.Glu280Gly (NM_001406911.1); c.804-4164A>G (NM_001406912.1); and 13 more; short protein forms E366G, E382G, E471G, E485G, E501G, E226G, E346G, E425G.
Identifiers: ClinVar variation 2750109 (VCV002750109.3), dbSNP rs2128726836, ClinGen allele CA366741486.
Genomic context (GRCh38, chr7:5,987,155, plus strand): 5'-TCTTCCTGGTTTGAATGGCAGTCCACATCTGAAAAAGAGTCGTCAGTTTTAGGCGCTTTC[T>C]CCTGAGAGTCCACATGTTCCTGCGAGCCCCTGTCCCCTGGGGAGCTGGCCGCATACTCGC-3'
Protein context (NP_000526.2, residues 527-547): RGSQEHVDSQ[Glu537Gly]KAPKTDDSFS

ClinVar aggregate classification (germline): Uncertain significance (1 of 4 stars; one submission).

Conditions:
Hereditary nonpolyposis colorectal neoplasms. Identifiers: MedGen C0009405, MeSH D003123.

Submission:

Labcorp Genetics (formerly Invitae), Labcorp
Classification: Uncertain significance for Hereditary nonpolyposis colorectal neoplasms. Last evaluated: 2023-09-22. Review status: criteria provided, single submitter. Criteria: Invitae Variant Classification Sherloc (09022015). Collection method: clinical testing. Allele origin: germline.
Comment: This sequence change replaces glutamic acid, which is acidic and polar, with glycine, which is neutral and non-polar, at codon 537 of the PMS2 protein (p.Glu537Gly). This variant is not present in population databases (gnomAD no frequency). This variant has not been reported in the literature in individuals affected with PMS2-related conditions. Advanced modeling of protein sequence and biophysical properties (such as structural, functional, and spatial information, amino acid conservation, physicochemical variation, residue mobility, and thermodynamic stability) performed at Invitae indicates that this missense variant is not expected to disrupt PMS2 protein function. In summary, the available evidence is currently insufficient to determine the role of this variant in disease. Therefore, it has been classified as a Variant of Uncertain Significance.